The following is an entry in ClinVar:

NM_003664.5(AP3B1):c.751T>C (p.Tyr251His)

Gene: AP3B1 (adaptor related protein complex 3 subunit beta 1; minus strand). Cytogenetic location: 5q14.1.
Variant type: single nucleotide variant.
Coding change: c.751T>C on transcript NM_003664.5 (MANE Select); coding-DNA position 751, T replaced by C.
Protein change: p.Tyr251His; replaces tyrosine 251 with histidine.
Molecular consequence: missense variant.
Genome position (GRCh38, 1-based): chr5:78,216,090, A>G on the plus strand (T>C on the coding strand, the complement: AP3B1 is on the minus strand). VCF-style: chr5-78216090-A-G. GRCh37 (hg19) VCF-style: chr5-77511914-A-G.
Other names: c.604T>C, p.Tyr202His (NM_001271769.2); c.751T>C, p.Tyr251His (NM_001410752.1); short protein forms Y202H, Y251H.
Identifiers: ClinVar variation 2682552 (VCV002682552.1), dbSNP rs2531190920, ClinGen allele CA360190780.

ClinVar aggregate classification (germline): Uncertain significance (1 of 4 stars; one submission).

Allele frequency attached by ClinVar (database versions not stated): gnomAD exomes below 0.00001.
gnomAD v4.1: 5 of 1,614,070 alleles (0.00031%); highest among the groups gnomAD compares: Non-Finnish European, 0.00042%; no homozygotes.

Submission:

Women's Health and Genetics/Laboratory Corporation of America, LabCorp
Classification: Uncertain significance. Last evaluated: 2023-11-02. Review status: criteria provided, single submitter. Criteria: LabCorp Variant Classification Summary - May 2015. Collection method: clinical testing. Allele origin: germline.
Comment: Variant summary: AP3B1 c.751T>C (p.Tyr251His) results in a conservative amino acid change located in the Clathrin/coatomer adaptor, adaptin-like, N-terminal (IPR002553) of the encoded protein sequence. Three of five in-silico tools predict a damaging effect of the variant on protein function. The variant was absent in 251304 control chromosomes (gnomAD). The available data on variant occurrences in the general population are insufficient to allow any conclusion about variant significance. To our knowledge, no occurrence of c.751T>C in individuals affected with Hermansky-Pudlak Syndrome and no experimental evidence demonstrating its impact on protein function have been reported. No submitters have cited clinical-significance assessments for this variant to ClinVar after 2014. Based on the evidence outlined above, the variant was classified as uncertain significance.